The following is an entry in ClinVar:

ClinVar aggregate classification (germline): Uncertain significance. Review status: criteria provided, multiple submitters, no conflicts (2 of 4 stars). 2 submissions from 2 submitters: Uncertain significance (2). Last evaluated 2023-12-05.

Conditions:
Familial thoracic aortic aneurysm and aortic dissection (TAAD). Also called: Thoracic aortic aneurysms and dissections. Identifiers: Orphanet 91387, MedGen C4707243, MONDO:0019625.
Ehlers-Danlos syndrome, type 4 (EDSVASC). Also called: Ehlers-Danlos Syndrome Type IV; Ehlers-Danlos syndrome vascular type; Ehlers Danlos syndrome, ecchymotic type; Ehlers Danlos syndrome, arterial type; Ehlers Danlos syndrome, Sack-Barabas type. Identifiers: Orphanet 286, MedGen C0268338, MONDO:0017314, OMIM 130050.

Submissions (2):

Color Diagnostics, LLC DBA Color Health
Classification: Uncertain significance for Familial thoracic aortic aneurysm and aortic dissection. Last evaluated: 2023-12-05. Review status: criteria provided, single submitter. Criteria: ACMG Guidelines, 2015. Collection method: clinical testing. Allele origin: germline.
Comment: Variant of Uncertain Significance due to insufficient evidence: This missense variant replaces valine with phenylalanine at codon 841 of the COL3A1 protein. Computational prediction tools and conservation analyses suggest that this variant may not impact the protein function. Computational splicing tools suggest that this variant may not impact RNA splicing. To our knowledge, functional assays have not been performed for this variant nor has this variant been reported in individuals affected with cardiovascular disorders in the literature. This variant is rare in the general population and has been identified in 0/277264 chromosomes by the Genome Aggregation Database (gnomAD). Available evidence is insufficient to determine the role of this variant in disease conclusively.

Labcorp Genetics (formerly Invitae), Labcorp
Classification: Uncertain significance for Ehlers-Danlos syndrome, type 4. Last evaluated: 2021-01-01. Review status: criteria provided, single submitter. Criteria: Invitae Variant Classification Sherloc (09022015). Collection method: clinical testing. Allele origin: germline.
Comment: This variant has not been reported in the literature in individuals with COL3A1-related conditions. ClinVar contains an entry for this variant (Variation ID: 921345). This variant is not present in population databases (ExAC no frequency). This sequence change replaces valine with phenylalanine at codon 841 of the COL3A1 protein (p.Val841Phe). The valine residue is weakly conserved and there is a small physicochemical difference between valine and phenylalanine. Advanced modeling of protein sequence and biophysical properties (such as structural, functional, and spatial information, amino acid conservation, physicochemical variation, residue mobility, and thermodynamic stability) performed at Invitae indicates that this missense variant is not expected to disrupt COL3A1 protein function. In summary, the available evidence is currently insufficient to determine the role of this variant in disease. Therefore, it has been classified as a Variant of Uncertain Significance.

NM_000090.4(COL3A1):c.2521G>T (p.Val841Phe)

Gene: COL3A1 (collagen type III alpha 1 chain; plus strand). Cytogenetic location: 2q32.2.
Variant type: single nucleotide variant.
Coding change: c.2521G>T on transcript NM_000090.4 (MANE Select); coding-DNA position 2521, G replaced by T.
Protein change: p.Val841Phe; replaces valine 841 with phenylalanine.
Molecular consequence: missense variant.
Genome position (GRCh38, 1-based): chr2:189,003,030, G>T. VCF-style: chr2-189003030-G-T. GRCh37 (hg19) VCF-style: chr2-189867756-G-T.
Other names: short protein forms V841F.
Identifiers: ClinVar variation 921345 (VCV000921345.13), dbSNP rs1688502124, ClinGen allele CA349842848.